The following is an entry in ClinVar:

ClinVar aggregate classification (germline): Uncertain significance. Review status: criteria provided, multiple submitters, no conflicts (2 of 4 stars). 4 submissions from 4 submitters: Uncertain significance (4). Last evaluated 2024-09-12.

Conditions:
Bardet-Biedl syndrome 16 (BBS16). Identifiers: Orphanet 110, MedGen C3889474, MONDO:0014444, OMIM 615993.
Senior-Loken syndrome 7 (SLSN7). Identifiers: Orphanet 3156, MedGen C3150877, MONDO:0013326, OMIM 613615.
Inborn genetic diseases. Identifiers: MedGen C0950123, MeSH D030342.

Allele frequency attached by ClinVar (database versions not stated): gnomAD 0.00001 and 0.00002; ExAC 0.00002; TOPMed 0.00002; gnomAD exomes 0.00003.
gnomAD v4.1: 49 of 1,613,838 alleles (0.003%); highest among the groups gnomAD compares: Non-Finnish European, 0.0036%; no homozygotes.

Submissions (4):

Blueprint Genetics
Classification: Uncertain significance. Last evaluated: 2024-09-12. Review status: criteria provided, single submitter. Criteria: ACMG Guidelines, 2015. Collection method: clinical testing. Allele origin: germline.

Ambry Genetics
Classification: Uncertain significance for Inborn genetic diseases. Last evaluated: 2024-02-26. Review status: criteria provided, single submitter. Criteria: Ambry Variant Classification Scheme 2023. Collection method: clinical testing. Allele origin: germline.

Fulgent Genetics
Classification: Uncertain significance for Senior-Loken syndrome 7; Bardet-Biedl syndrome 16. Last evaluated: 2024-01-01. Review status: criteria provided, single submitter. Criteria: ACMG Guidelines, 2015. Collection method: clinical testing. Allele origin: germline.

Labcorp Genetics (formerly Invitae), Labcorp
Classification: Uncertain significance for Bardet-Biedl syndrome 16; Senior-Loken syndrome 7. Last evaluated: 2022-02-22. Review status: criteria provided, single submitter. Criteria: Invitae Variant Classification Sherloc (09022015). Collection method: clinical testing. Allele origin: germline.
Comment: This sequence change replaces leucine, which is neutral and non-polar, with serine, which is neutral and polar, at codon 638 of the SDCCAG8 protein (p.Leu638Ser). This variant is present in population databases (rs752896885, gnomAD 0.006%). This variant has not been reported in the literature in individuals affected with SDCCAG8-related conditions. Algorithms developed to predict the effect of missense changes on protein structure and function are either unavailable or do not agree on the potential impact of this missense change (SIFT: "Deleterious"; PolyPhen-2: "Probably Damaging"; Align-GVGD: "Class C0"). In summary, the available evidence is currently insufficient to determine the role of this variant in disease. Therefore, it has been classified as a Variant of Uncertain Significance.

NM_006642.5(SDCCAG8):c.1913T>C (p.Leu638Ser)

Gene: SDCCAG8 (SHH signaling and ciliogenesis regulator SDCCAG8; plus strand). Cytogenetic location: 1q43.
Variant type: single nucleotide variant.
Coding change: c.1913T>C on transcript NM_006642.5 (MANE Select); coding-DNA position 1913, T replaced by C.
Protein change: p.Leu638Ser; replaces leucine 638 with serine.
Molecular consequence: missense variant.
Genome position (GRCh38, 1-based): chr1:243,426,486, T>C. VCF-style: chr1-243426486-T-C. GRCh37 (hg19) VCF-style: chr1-243589788-T-C.
Other names: c.1913T>C (NM_006642.3); c.1010T>C, p.Leu337Ser (NM_001350246.2, NM_001350247.2, NM_001350251.2); c.2009T>C, p.Leu670Ser (NM_001350248.2); c.1619T>C, p.Leu540Ser (NM_001350249.2); short protein forms L540S, L337S, L638S, L670S.
Identifiers: ClinVar variation 1361500 (VCV001361500.9), dbSNP rs752896885, ClinGen allele CA1483775.
Genomic context (GRCh38, chr1:243,426,486, plus strand): 5'-GATCTGAAATAGCTCAACTCAGTCAAGAAAAAAGGTATACATATGATAAATTGGGAAAGT[T>C]ACAGAGAAGAAATGAAGAATTGGAGGAACAGTGTGTCCAGCATGGGAGAGTACATGAGAC-3'
Protein context (NP_006633.1, residues 628-648): KRYTYDKLGK[Leu638Ser]QRRNEELEEQ